The following is an entry in ClinVar:

NM_002878.4(RAD51D):c.490C>G (p.Leu164Val)

Genes: RAD51L3-RFFL (RAD51L3-RFFL readthrough; minus strand), RAD51D (RAD51 paralog D; minus strand). Cytogenetic location: 17q12.
Variant type: single nucleotide variant.
Coding change: c.490C>G on transcript NM_002878.4 (MANE Select); coding-DNA position 490, C replaced by G.
Protein change: p.Leu164Val; replaces leucine 164 with valine.
Molecular consequence: missense variant. On other transcripts: non-coding transcript variant (3).
Genome position (GRCh38, 1-based): chr17:35,106,472, G>C on the plus strand (C>G on the coding strand, the complement: RAD51D is on the minus strand). VCF-style: chr17-35106472-G-C. GRCh37 (hg19) VCF-style: chr17-33433491-G-C.
Other names: c.550C>G, p.Leu184Val (NM_001142571.2); c.154C>G, p.Leu52Val (NM_133629.3); short protein forms L164V, L184V, L52V.
Identifiers: ClinVar variation 239399 (VCV000239399.12), dbSNP rs878854564, ClinGen allele CA10583533.

ClinVar aggregate classification (germline): Uncertain significance. Review status: criteria provided, multiple submitters, no conflicts (2 of 4 stars). 2 submissions from 2 submitters: Uncertain significance (2). Last evaluated 2025-12-10.

Conditions:
Hereditary cancer-predisposing syndrome. Also called: Neoplastic Syndromes, Hereditary; Hereditary neoplastic syndrome; Tumor predisposition; Hereditary Cancer Syndrome. Identifiers: Orphanet 140162, MedGen C0027672, MeSH D009386, MONDO:0015356.
Breast-ovarian cancer, familial, susceptibility to, 4. Identifiers: Orphanet 145, MedGen C3280345, MONDO:0013669, OMIM 614291.

Allele frequency attached by ClinVar (database versions not stated): gnomAD exomes below 0.00001; TOPMed below 0.00001.
gnomAD v4.1: 7 of 1,612,302 alleles (0.00043%); highest among the groups gnomAD compares: African/African-American, 0.0013%; no homozygotes.

Submissions (2):

Labcorp Genetics (formerly Invitae), Labcorp
Classification: Uncertain significance for Breast-ovarian cancer, familial, susceptibility to, 4. Last evaluated: 2025-12-10. Review status: criteria provided, single submitter. Criteria: Invitae Variant Classification Sherloc (09022015). Collection method: clinical testing. Allele origin: germline.
Comment: This sequence change replaces leucine, which is neutral and non-polar, with valine, which is neutral and non-polar, at codon 164 of the RAD51D protein (p.Leu164Val). This variant is not present in population databases (gnomAD no frequency). This variant has not been reported in the literature in individuals affected with RAD51D-related conditions. ClinVar contains an entry for this variant (Variation ID: 239399). Invitae Evidence Modeling of protein sequence and biophysical properties (such as structural, functional, and spatial information, amino acid conservation, physicochemical variation, residue mobility, and thermodynamic stability) has been performed for this missense variant. However, the output from this modeling did not meet the statistical confidence thresholds required to predict the impact of this variant on RAD51D protein function. In summary, the available evidence is currently insufficient to determine the role of this variant in disease. Therefore, it has been classified as a Variant of Uncertain Significance.

Ambry Genetics
Classification: Uncertain significance for Hereditary cancer-predisposing syndrome. Last evaluated: 2024-05-11. Review status: criteria provided, single submitter. Criteria: Ambry Variant Classification Scheme 2023. Collection method: clinical testing. Allele origin: germline.
Comment: The p.L164V variant (also known as c.490C>G), located in coding exon 6 of the RAD51D gene, results from a C to G substitution at nucleotide position 490. The leucine at codon 164 is replaced by valine, an amino acid with highly similar properties. This amino acid position is conserved. In addition, the in silico prediction for this alteration is inconclusive. Since supporting evidence is limited at this time, the clinical significance of this alteration remains unclear.